The following is an entry in ClinVar:

NM_006642.5(SDCCAG8):c.1221+2T>C

Gene: SDCCAG8 (SHH signaling and ciliogenesis regulator SDCCAG8; plus strand). Cytogenetic location: 1q43.
Variant type: single nucleotide variant.
Coding change: c.1221+2T>C on transcript NM_006642.5 (MANE Select); the canonical splice donor site of the intron after coding-DNA position 1221, T replaced by C.
Molecular consequence: splice donor variant.
Genome position (GRCh38, 1-based): chr1:243,330,694, T>C. VCF-style: chr1-243330694-T-C. GRCh37 (hg19) VCF-style: chr1-243493996-T-C.
Other names: c.927+2T>C (NM_001350249.2); c.318+2T>C (NM_001350251.2, NM_001350246.2, NM_001350247.2); c.1317+2T>C (NM_001350248.2).
Identifiers: ClinVar variation 4792469 (VCV004792469.1).

ClinVar aggregate classification (germline): Pathogenic (1 of 4 stars; one submission).

Conditions:
Senior-Loken syndrome 7 (SLSN7). Identifiers: Orphanet 3156, MedGen C3150877, MONDO:0013326, OMIM 613615.
Bardet-Biedl syndrome 16 (BBS16). Identifiers: Orphanet 110, MedGen C3889474, MONDO:0014444, OMIM 615993.

Submission:

Labcorp Genetics (formerly Invitae), Labcorp
Classification: Pathogenic for Bardet-Biedl syndrome 16; Senior-Loken syndrome 7. Last evaluated: 2025-08-11. Review status: criteria provided, single submitter. Criteria: Invitae Variant Classification Sherloc (09022015). Collection method: clinical testing. Allele origin: germline.
Comment: This sequence change affects a donor splice site in intron 10 of the SDCCAG8 gene. It is expected to disrupt RNA splicing. Variants that disrupt the donor or acceptor splice site typically lead to a loss of protein function (PMID: 16199547), and loss-of-function variants in SDCCAG8 are known to be pathogenic (PMID: 20835237, 22190896). This variant is not present in population databases (gnomAD no frequency). Disruption of this splice site has been observed in individual(s) with Bardet-Biedl syndrome (PMID: 32926352, 35112343). Algorithms developed to predict the effect of sequence changes on RNA splicing suggest that this variant may disrupt the consensus splice site. For these reasons, this variant has been classified as Pathogenic.

Literature cited by the submitters: PubMed 16199547; PubMed 20835237; PubMed 22190896; PubMed 32926352; PubMed 35112343.